The following is an entry in ClinVar:

ClinVar aggregate classification (germline): Likely pathogenic (1 of 4 stars; one submission).

Conditions:
Intellectual developmental disorder, autosomal dominant 52. Also called: Intellectual disability, autosomal dominant 52; Mental retardation, autosomal dominant 52. Identifiers: MedGen C4540478, MONDO:0030918, OMIM 617796.

Submission:

MGZ Medical Genetics Center
Classification: Likely pathogenic for Intellectual developmental disorder, autosomal dominant 52. Last evaluated: 2022-08-17. Review status: criteria provided, single submitter. Criteria: ACMG Guidelines, 2015. Collection method: clinical testing. Allele origin: germline. Affected: yes. Observed: 1 variant allele.
Comment: ACMG criteria applied: PS2, PVS1_MOD, PM2_SUP

NM_018489.3(ASH1L):c.7957C>T (p.Arg2653Ter)

Gene: ASH1L (ASH1 like histone lysine methyltransferase; minus strand). Cytogenetic location: 1q22.
Variant type: single nucleotide variant.
Coding change: c.7957C>T on transcript NM_018489.3 (MANE Select); coding-DNA position 7957, C replaced by T.
Protein change: p.Arg2653Ter; replaces arginine 2653 with a stop codon.
Molecular consequence: nonsense.
Genome position (GRCh38, 1-based): chr1:155,344,207, G>A on the plus strand (C>T on the coding strand, the complement: ASH1L is on the minus strand). VCF-style: chr1-155344207-G-A. GRCh37 (hg19) VCF-style: chr1-155313998-G-A.
Other names: c.7972C>T, p.Arg2658Ter (NM_001366177.2); short protein forms R2653*, R2658*.
Identifiers: ClinVar variation 1709239 (VCV001709239.2), dbSNP rs2525654022, ClinGen allele CA342731436.